The following is an entry in ClinVar:

ClinVar aggregate classification (germline): Uncertain significance (1 of 4 stars; one submission).

Conditions:
Autosomal dominant childhood-onset proximal spinal muscular atrophy with contractures (SMALED2A). Also called: SPINAL MUSCULAR ATROPHY, LOWER EXTREMITY-PREDOMINANT, 2A, CHILDHOOD ONSET, AUTOSOMAL DOMINANT; Spinal muscular atrophy, lower extremity-predominant, 2A, autosomal dominant. Identifiers: Orphanet 363447, Orphanet 363454, MedGen C4747715, MONDO:0014121, OMIM 615290.

gnomAD v4.1: 1 of 1,573,368 alleles (0.000064%); no homozygotes.

Submission:

Labcorp Genetics (formerly Invitae), Labcorp
Classification: Uncertain significance for Autosomal dominant childhood-onset proximal spinal muscular atrophy with contractures. Last evaluated: 2023-06-30. Review status: criteria provided, single submitter. Criteria: Invitae Variant Classification Sherloc (09022015). Collection method: clinical testing. Allele origin: germline.
Comment: This sequence change falls in intron 6 of the BICD2 gene. It does not directly change the encoded amino acid sequence of the BICD2 protein. It affects a nucleotide within the consensus splice site. This variant is not present in population databases (gnomAD no frequency). This variant has not been reported in the literature in individuals affected with BICD2-related conditions. Variants that disrupt the consensus splice site are a relatively common cause of aberrant splicing (PMID: 17576681, 9536098). Algorithms developed to predict the effect of sequence changes on RNA splicing suggest that this variant is not likely to affect RNA splicing. In summary, the available evidence is currently insufficient to determine the role of this variant in disease. Therefore, it has been classified as a Variant of Uncertain Significance.

Literature cited by the submitters: PubMed 17576681; PubMed 9536098.

NM_001003800.2(BICD2):c.2259-3C>T

Gene: BICD2 (BICD cargo adaptor 2; minus strand). Cytogenetic location: 9q22.31.
Variant type: single nucleotide variant.
Coding change: c.2259-3C>T on transcript NM_001003800.2 (MANE Select); 3 bases into the intron before coding-DNA position 2259, C replaced by T.
Molecular consequence: intron variant.
Genome position (GRCh38, 1-based): chr9:92,715,466, G>A on the plus strand (C>T on the coding strand, the complement: BICD2 is on the minus strand). VCF-style: chr9-92715466-G-A. GRCh37 (hg19) VCF-style: chr9-95477748-G-A.
Other names: c.2259-3C>T (NM_015250.4).
Identifiers: ClinVar variation 3020072 (VCV003020072.3), dbSNP rs2490434950, ClinGen allele CA2579381861.